The following is an entry in ClinVar:

ClinVar aggregate classification (germline): Likely benign. Review status: criteria provided, multiple submitters, no conflicts (2 of 4 stars). 2 submissions from 2 submitters: Likely benign (2). Last evaluated 2026-05-27.

Conditions:
PLEC-related disorder. Also called: PLEC-related disorders; PLEC-related condition.
Epidermolysis bullosa simplex with nail dystrophy (EBS5D). Identifiers: MedGen C4225309, MONDO:0014661, OMIM 616487.
Autosomal recessive limb-girdle muscular dystrophy type 2Q (LGMDR17). Also called: MUSCULAR DYSTROPHY, LIMB-GIRDLE, AUTOSOMAL RECESSIVE 17. Identifiers: Orphanet 254361, MedGen C3150989, MONDO:0013390, OMIM 613723.
Epidermolysis bullosa simplex, Ogna type (EBS5A). Also called: Pidermolysis bullosa simplex 5A, Ogna type; EPIDERMOLYSIS BULLOSA SIMPLEX 5A, OGNA TYPE. Identifiers: Orphanet 79401, MedGen C0432317, MONDO:0007555, OMIM 131950.
Epidermolysis bullosa simplex 5C, with pyloric atresia (EBS5C). Also called: PLEC-Related Epidermolysis Bullosa with Pyloric Atresia; Epidermolysis bullosa simplex with pyloric atresia; PLEC1-Related Epidermolysis Bullosa with Pyloric Atresia. Identifiers: Orphanet 158684, MedGen C2677349, MONDO:0012807, OMIM 612138.
Epidermolysis bullosa simplex 5B, with muscular dystrophy (EBS5B). Also called: EPIDERMOLYSIS BULLOSA SIMPLEX AND LIMB-GIRDLE MUSCULAR DYSTROPHY; Epidermolysis bullosa simplex with muscular dystrophy. Identifiers: Orphanet 257, MedGen C2931072, MONDO:0009181, OMIM 226670.

Allele frequency attached by ClinVar (database versions not stated): gnomAD exomes 0.00001.

Submissions (2):

PreventionGenetics, part of Exact Sciences
Classification: Likely benign for PLEC-related condition. Last evaluated: 2026-05-27. Review status: criteria provided, single submitter. Criteria: ACMG Guidelines, 2015. Collection method: clinical testing. Allele origin: germline.
Comment: This variant is classified as likely benign based on ACMG/AMP sequence variant interpretation guidelines (Richards et al. 2015 PMID: 25741868, with internal and published modifications).

Labcorp Genetics (formerly Invitae), Labcorp
Classification: Likely benign for Autosomal recessive limb-girdle muscular dystrophy type 2Q; Epidermolysis bullosa simplex, Ogna type; Epidermolysis bullosa simplex with nail dystrophy; Epidermolysis bullosa simplex 5C, with pyloric atresia; Epidermolysis bullosa simplex 5B, with muscular dystrophy. Last evaluated: 2025-11-28. Review status: criteria provided, single submitter. Criteria: Invitae Variant Classification Sherloc (09022015). Collection method: clinical testing. Allele origin: germline.

NM_201384.3(PLEC):c.5385G>C (p.Arg1795=)

Gene: PLEC (plectin; minus strand). Cytogenetic location: 8q24.3.
Variant type: single nucleotide variant.
Coding change: c.5385G>C on transcript NM_201384.3 (MANE Select); coding-DNA position 5385, G replaced by C.
Protein change: p.Arg1795=; no amino-acid change (arginine 1795 retained).
Molecular consequence: synonymous variant.
Genome position (GRCh38, 1-based): chr8:143,924,544, C>G on the plus strand (G>C on the coding strand, the complement: PLEC is on the minus strand). VCF-style: chr8-143924544-C-G. GRCh37 (hg19) VCF-style: chr8-144998712-C-G.
Other names: c.5466G>C (NM_000445.4); c.5466G>C, p.Arg1822= (NM_000445.5); c.5343G>C, p.Arg1781= (NM_201378.4); c.5319G>C, p.Arg1773= (NM_201379.3); c.5796G>C, p.Arg1932= (NM_201380.4); c.5289G>C, p.Arg1763= (NM_201381.3); c.5385G>C, p.Arg1795= (NM_201382.4); c.5397G>C, p.Arg1799= (NM_201383.3).
Identifiers: ClinVar variation 1109210 (VCV001109210.8), dbSNP rs972495282, ClinGen allele CA187615793.
Genomic context (GRCh38, chr8:143,924,544, plus strand): 5'-CCGCTTGGCCTCTTCCGCCAGGGCACGCAGGCGGGCGGCCTCCTCGGCCAGCTCGCGGAA[C>G]CGGCCGGCCTCGGCCTCCAGCCTCTGCTTGGACTTCTCGCTGGTGGAGCGCGACTCCTCC-3'
Protein context (NP_958786.1, residues 1785-1805): SKQRLEAEAG[Arg1795=]FRELAEEAAR